The following is an entry in ClinVar:

NM_182914.3(SYNE2):c.15793-12C>G

Gene: SYNE2 (spectrin repeat containing nuclear envelope protein 2; plus strand). Cytogenetic location: 14q23.2.
Variant type: single nucleotide variant.
Coding change: c.15793-12C>G on transcript NM_182914.3 (MANE Select); 12 bases into the intron before coding-DNA position 15793, C replaced by G.
Molecular consequence: intron variant.
Genome position (GRCh38, 1-based): chr14:64,158,613, C>G. VCF-style: chr14-64158613-C-G. GRCh37 (hg19) VCF-style: chr14-64625331-C-G.
Other names: c.15793-12C>G (NM_015180.6).
Identifiers: ClinVar variation 3725272 (VCV003725272.2).
Genomic context (GRCh38, chr14:64,158,613, plus strand): 5'-AATGGTAGATCTGTTGGAGAGCATGTCTTCTCAGTGATTTTCTAAATCAGTACGTTTCCA[C>G]TTTTTGTCTAGGTCAATCAGCTCAAAACCTCCATGCAGTCAGTTTTACAGGAGTGGAAGA-3'

ClinVar aggregate classification (germline): Uncertain significance (1 of 4 stars; one submission).

Conditions:
Emery-Dreifuss muscular dystrophy 5, autosomal dominant (EDMD5). Also called: EMERY-DREIFUSS MUSCULAR DYSTROPHY 5. Identifiers: Orphanet 261, MedGen C2751805, MONDO:0013072, OMIM 612999.

Submission:

Labcorp Genetics (formerly Invitae), Labcorp
Classification: Uncertain significance for Emery-Dreifuss muscular dystrophy 5, autosomal dominant. Last evaluated: 2024-11-14. Review status: criteria provided, single submitter. Criteria: Invitae Variant Classification Sherloc (09022015). Collection method: clinical testing. Allele origin: germline.
Comment: This sequence change falls in intron 85 of the SYNE2 gene. It does not directly change the encoded amino acid sequence of the SYNE2 protein. This variant is not present in population databases (gnomAD no frequency). This variant has not been reported in the literature in individuals affected with SYNE2-related conditions. Algorithms developed to predict the effect of sequence changes on RNA splicing suggest that this variant may disrupt the consensus splice site. In summary, the available evidence is currently insufficient to determine the role of this variant in disease. Therefore, it has been classified as a Variant of Uncertain Significance.